The following is an entry in ClinVar:

ClinVar aggregate classification (germline): Uncertain significance (1 of 4 stars; one submission).

Conditions:
DICER1-related tumor predisposition. Also called: DICER1 syndrome; DICER1-related pleuropulmonary blastoma cancer predisposition syndrome. Identifiers: Orphanet 284343, MedGen C3839822, MONDO:0100216.

Submission:

Labcorp Genetics (formerly Invitae), Labcorp
Classification: Uncertain significance for DICER1-related tumor predisposition. Last evaluated: 2019-05-25. Review status: criteria provided, single submitter. Criteria: Invitae Variant Classification Sherloc (09022015). Collection method: clinical testing. Allele origin: germline.
Comment: This variant is not present in population databases (ExAC no frequency). This sequence change replaces glycine with glutamic acid at codon 1360 of the DICER1 protein (p.Gly1360Glu). The glycine residue is highly conserved and there is a moderate physicochemical difference between glycine and glutamic acid. This variant has not been reported in the literature in individuals with DICER1-related conditions. Algorithms developed to predict the effect of missense changes on protein structure and function (SIFT, PolyPhen-2, Align-GVGD) all suggest that this variant is likely to be disruptive, but these predictions have not been confirmed by published functional studies and their clinical significance is uncertain. In summary, the available evidence is currently insufficient to determine the role of this variant in disease. Therefore, it has been classified as a Variant of Uncertain Significance.

NM_177438.3(DICER1):c.4079G>A (p.Gly1360Glu)

Gene: DICER1 (dicer 1, ribonuclease III; minus strand). Cytogenetic location: 14q32.13.
Variant type: single nucleotide variant.
Coding change: c.4079G>A on transcript NM_177438.3 (MANE Select); coding-DNA position 4079, G replaced by A.
Protein change: p.Gly1360Glu; replaces glycine 1360 with glutamic acid.
Molecular consequence: missense variant.
Genome position (GRCh38, 1-based): chr14:95,099,907, C>T on the plus strand (G>A on the coding strand, the complement: DICER1 is on the minus strand). VCF-style: chr14-95099907-C-T. GRCh37 (hg19) VCF-style: chr14-95566244-C-T.
Other names: c.4079G>A, p.Gly1360Glu (NM_001195573.1, NM_001271282.3, NM_001291628.2 and 1 more transcripts); short protein forms G1360E.
Identifiers: ClinVar variation 951058 (VCV000951058.11), dbSNP rs1890727260, ClinGen allele CA390872230.
Genomic context (GRCh38, chr14:95,099,907, plus strand): 5'-CAATTCACAGGGGGATCAAATATTGACACCACCATGCGGCTGGGTAGTCCCTTCTTTTTT[C>T]CAAGGCGATACAGATTACAGTTGCTGACCTTTAGCAGAAAATATTAGGATACTTATCCAT-3'
Protein context (NP_803187.1, residues 1350-1370): KVSNCNLYRL[Gly1360Glu]KKKGLPSRMV